The following is an entry in ClinVar:

NM_002470.4(MYH3):c.3872A>C (p.Gln1291Pro)

Gene: MYH3 (myosin heavy chain 3; minus strand). Cytogenetic location: 17p13.1.
Variant type: single nucleotide variant.
Coding change: c.3872A>C on transcript NM_002470.4 (MANE Select); coding-DNA position 3872, A replaced by C.
Protein change: p.Gln1291Pro; replaces glutamine 1291 with proline.
Molecular consequence: missense variant.
Genome position (GRCh38, 1-based): chr17:10,635,838, T>G on the plus strand (A>C on the coding strand, the complement: MYH3 is on the minus strand). VCF-style: chr17-10635838-T-G. GRCh37 (hg19) VCF-style: chr17-10539155-T-G.
Other names: short protein forms Q1291P.
Identifiers: ClinVar variation 3382401 (VCV003382401.2).

ClinVar aggregate classification (germline): Uncertain significance (1 of 4 stars; one submission).

Conditions:
Contractures, pterygia, and spondylocarpotarsal fusion syndrome 1A (CPSFS1A). Also called: Contractures, pterygia, and variable skeletal fusions syndrome 1A; MULTIPLE PTERYGIUM SYNDROME, AUTOSOMAL DOMINANT; Distal arthrogryposis type 8. Identifiers: Orphanet 65743, MedGen C1867440, MONDO:0008338, OMIM 178110.
Freeman-Sheldon syndrome (DA2A). Also called: WHISTLING FACE-WINDMILL VANE HAND SYNDROME; CRANIOCARPOTARSAL DYSPLASIA; CRANIOCARPOTARSAL DYSTROPHY; Arthrogryposis, distal, type 2A (Freeman-Sheldon). Identifiers: Orphanet 2053, MedGen C0265224, MONDO:0008675, OMIM 193700.
Arthrogryposis, distal, type 2B3. Also called: Arthrogryposis, distal, type 2B3 (Sheldon-Hall). Identifiers: MedGen C5193098, MONDO:0032751, OMIM 618436.
Contractures, pterygia, and variable skeletal fusions syndrome 1B. Also called: CONTRACTURES, PTERYGIA, AND SPONDYLOCARPOTARSAL FUSION SYNDROME 1B. Identifiers: MedGen C5193114, MONDO:0020746, OMIM 618469.

Submission:

Juno Genomics, Hangzhou Juno Genomics, Inc
Classification: Uncertain significance for Freeman-Sheldon syndrome; Arthrogryposis, distal, type 2B3; Contractures, pterygia, and spondylocarpotarsal fusion syndrome 1A; Contractures, pterygia, and variable skeletal fusions syndrome 1B. Review status: criteria provided, single submitter. Criteria: ACMG Guidelines, 2015. Collection method: clinical testing. Allele origin: germline. Affected: yes.
Comment: De novo (both maternity and paternity confirmed) in a patient with the disease and no family history.;Absent from controls (or at extremely low frequency if recessive) in Genome Aggregation Database, Exome Sequencing Project, 1000 Genomes Project, or Exome Aggregation Consortium.;Multiple lines of computational evidence support a deleterious effect on the gene or gene product (conservation, evolutionary, splicing impact, etc).